The following is an entry in ClinVar:

ClinVar aggregate classification (germline): Likely pathogenic (1 of 4 stars; one submission).

Conditions:
Developmental and epileptic encephalopathy. Identifiers: MedGen C5779964, MONDO:0100620.

Submission:

Labcorp Genetics (formerly Invitae), Labcorp
Classification: Likely pathogenic for Early-infantile DEE. Last evaluated: 2022-07-05. Review status: criteria provided, single submitter. Criteria: Invitae Variant Classification Sherloc (09022015). Collection method: clinical testing. Allele origin: germline.
Comment: This sequence change affects a donor splice site in intron 10 of the ST3GAL3 gene. It is expected to disrupt RNA splicing. Variants that disrupt the donor or acceptor splice site typically lead to a loss of protein function (PMID: 16199547), and loss-of-function variants in ST3GAL3 are known to be pathogenic (PMID: 31584066). This variant is not present in population databases (gnomAD no frequency). This variant has not been reported in the literature in individuals affected with ST3GAL3-related conditions. Algorithms developed to predict the effect of sequence changes on RNA splicing suggest that this variant may disrupt the consensus splice site. In summary, the currently available evidence indicates that the variant is pathogenic, but additional data are needed to prove that conclusively. Therefore, this variant has been classified as Likely Pathogenic.

Literature cited by the submitters: PubMed 16199547; PubMed 31584066.

NM_006279.5(ST3GAL3):c.891+2T>G

Gene: ST3GAL3 (ST3 beta-galactoside alpha-2,3-sialyltransferase 3; plus strand). Cytogenetic location: 1p34.1.
Variant type: single nucleotide variant.
Coding change: c.891+2T>G on transcript NM_006279.5 (MANE Select); the canonical splice donor site of the intron after coding-DNA position 891, T replaced by G.
Molecular consequence: splice donor variant. On other transcripts: intron variant (11).
Genome position (GRCh38, 1-based): chr1:43,920,552, T>G. VCF-style: chr1-43920552-T-G. GRCh37 (hg19) VCF-style: chr1-44386224-T-G.
Other names: c.1098+2T>G (NM_174963.5); c.936+2T>G (NM_001350619.2, NM_174964.4); c.443-9580T>G (NM_174965.4); c.*23-9580T>G (NM_001270465.3); c.555-9580T>G (NM_001270463.3); c.1053+2T>G (NM_174968.5); c.907-9580T>G (NM_001363573.2); c.612+2T>G (NM_001350621.2); and 12 more.
Identifiers: ClinVar variation 2069582 (VCV002069582.1), dbSNP rs1571524490, ClinGen allele CA340032347.